The following is an entry in ClinVar:

NM_000051.4(ATM):c.6108T>G (p.Tyr2036Ter)

Genes: ATM (ATM serine/threonine kinase; plus strand), C11orf65 (chromosome 11 open reading frame 65; minus strand). Cytogenetic location: 11q22.3.
Variant type: single nucleotide variant.
Coding change: c.6108T>G on transcript NM_000051.4 (MANE Select); coding-DNA position 6108, T replaced by G.
Protein change: p.Tyr2036Ter; replaces tyrosine 2036 with a stop codon.
Molecular consequence: nonsense. On other transcripts: intron variant (2).
Genome position (GRCh38, 1-based): chr11:108,316,023, T>G. VCF-style: chr11-108316023-T-G. GRCh37 (hg19) VCF-style: chr11-108186750-T-G.
Other names: c.6108T>G, p.Tyr2036Ter (NM_001351834.2); c.641-6952A>C (NM_001330368.2); c.*39-6952A>C (NM_001351110.2); short protein forms Y2036*.
Identifiers: ClinVar variation 664270 (VCV000664270.24), dbSNP rs3092826, ClinGen allele CA382550344.

ClinVar aggregate classification (germline): Pathogenic. Review status: criteria provided, multiple submitters, no conflicts (2 of 4 stars). 4 submissions from 4 submitters: Pathogenic (4). Last evaluated 2025-02-01.

Conditions:
Familial cancer of breast. Also called: Hereditary breast cancer; BREAST CANCER, FAMILIAL; hereditary breast carcinoma. Identifiers: Orphanet 227535, MedGen C0346153, MONDO:0016419, OMIM 114480. Disease mechanism: loss of function.
Ataxia-telangiectasia syndrome (AT). Also called: Ataxia-telangiectasia, complementation group D; AT, COMPLEMENTATION GROUP C; ATAXIA-TELANGIECTASIA, COMPLEMENTATION GROUP A; ATAXIA-TELANGIECTASIA, FRESNO VARIANT; Ataxia-telangiectasia; LOUIS-BAR SYNDROME. Identifiers: Orphanet 100, MedGen C0004135, MONDO:0008840, OMIM 208900.
Hereditary cancer-predisposing syndrome. Also called: Tumor predisposition; Hereditary neoplastic syndrome; Neoplastic Syndromes, Hereditary; Hereditary Cancer Syndrome. Identifiers: Orphanet 140162, MedGen C0027672, MeSH D009386, MONDO:0015356.

Submissions (4):

CeGaT Center for Human Genetics Tuebingen
Classification: Pathogenic. Last evaluated: 2025-02-01. Review status: criteria provided, single submitter. Criteria: CeGaT Center For Human Genetics Tuebingen Variant Classification Criteria Version 2. Collection method: clinical testing. Allele origin: germline. Affected: yes. Observed: 2 variant alleles.
Comment: ATM: PVS1, PM2, PM3

Ambry Genetics
Classification: Pathogenic for Hereditary cancer-predisposing syndrome. Last evaluated: 2025-01-09. Review status: criteria provided, single submitter. Criteria: Ambry Variant Classification Scheme 2023. Collection method: clinical testing. Allele origin: germline.
Comment: The p.Y2036* pathogenic mutation (also known as c.6108T>G), located in coding exon 41 of the ATM gene, results from a T to G substitution at nucleotide position 6108. This changes the amino acid from a tyrosine to a stop codon within coding exon 41. This variant is considered to be rare based on population cohorts in the Genome Aggregation Database (gnomAD). This alteration is expected to result in loss of function by premature protein truncation or nonsense-mediated mRNA decay. As such, this alteration is interpreted as a disease-causing mutation.

Myriad Genetics, Inc.
Classification: Pathogenic for Familial cancer of breast. Last evaluated: 2024-01-29. Review status: criteria provided, single submitter. Criteria: Myriad Autosomal Dominant, Autosomal Recessive and X-Linked Classification Criteria (2023). Collection method: clinical testing. Allele origin: unknown.
Comment: This variant is considered pathogenic. This variant creates a termination codon and is predicted to result in premature protein truncation.

Labcorp Genetics (formerly Invitae), Labcorp
Classification: Pathogenic for Ataxia-telangiectasia syndrome. Last evaluated: 2021-05-30. Review status: criteria provided, single submitter. Criteria: Invitae Variant Classification Sherloc (09022015). Collection method: clinical testing. Allele origin: germline.
Comment: For these reasons, this variant has been classified as Pathogenic. Loss-of-function variants in ATM are known to be pathogenic (PMID: 23807571, 25614872). This variant has been observed in an individual affected with ataxia telangiectasia (PMID: 25122203). This variant is not present in population databases (ExAC no frequency). This sequence change creates a premature translational stop signal (p.Tyr2036*) in the ATM gene. It is expected to result in an absent or disrupted protein product.

Literature cited by the submitters: PubMed 23807571 (cited by Labcorp Genetics (formerly Invitae), Labcorp); PubMed 25614872 (cited by Labcorp Genetics (formerly Invitae), Labcorp); PubMed 25122203 (cited by Labcorp Genetics (formerly Invitae), Labcorp).